The following is an entry in ClinVar:

NM_001005373.4(LRSAM1):c.1324G>A (p.Ala442Thr)

Gene: LRSAM1 (leucine rich repeat and sterile alpha motif containing 1; plus strand). Cytogenetic location: 9q33.3.
Variant type: single nucleotide variant.
Coding change: c.1324G>A on transcript NM_001005373.4 (MANE Select); coding-DNA position 1324, G replaced by A.
Protein change: p.Ala442Thr; replaces alanine 442 with threonine.
Molecular consequence: missense variant. On other transcripts: non-coding transcript variant (2).
Genome position (GRCh38, 1-based): chr9:127,487,740, G>A. VCF-style: chr9-127487740-G-A. GRCh37 (hg19) VCF-style: chr9-130250019-G-A.
Other names: c.1324G>A, p.Ala442Thr (NM_001005374.4, NM_001190723.3, NM_001384142.1 and 2 more transcripts); c.535G>A, p.Ala179Thr (NM_001384144.1); short protein forms A442T, A179T.
Identifiers: ClinVar variation 2195848 (VCV002195848.4), dbSNP rs747384782, ClinGen allele CA5246929.
Genomic context (GRCh38, chr9:127,487,740, plus strand): 5'-GCCGAAATGGATGAACGATTCCAGCAGATTCTGTCGTGGCAGCAAATGGATCAGAACAAA[G>A]CCATCAGCCAGATCCTGCAGGAGGTGAGCCCTCGCCCAGAGCCTGAGGGTGGGAGCTCAG-3'
Protein context (NP_001005373.1, residues 432-452): LSWQQMDQNK[Ala442Thr]ISQILQESAM

ClinVar aggregate classification (germline): Uncertain significance (1 of 4 stars; one submission).

Conditions:
Charcot-Marie-Tooth disease axonal type 2P. Also called: CHARCOT-MARIE-TOOTH DISEASE, AXONAL, TYPE 2G; CMT 2G; CHARCOT-MARIE-TOOTH NEUROPATHY, TYPE 2P; Charcot-Marie-Tooth Neuropathy Type 2G. Identifiers: Orphanet 300319, Orphanet 99941, MedGen C3280797, MONDO:0013753, OMIM 614436.

Allele frequency attached by ClinVar (database versions not stated): gnomAD 0.00001; TOPMed 0.00001; ExAC 0.00003; gnomAD exomes 0.00003.
gnomAD v4.1: 48 of 1,613,378 alleles (0.003%); highest among the groups gnomAD compares: Non-Finnish European, 0.0039%; no homozygotes.

Submission:

Labcorp Genetics (formerly Invitae), Labcorp
Classification: Uncertain significance for Charcot-Marie-Tooth disease axonal type 2P. Last evaluated: 2024-03-24. Review status: criteria provided, single submitter. Criteria: Invitae Variant Classification Sherloc (09022015). Collection method: clinical testing. Allele origin: germline.
Comment: This sequence change replaces alanine, which is neutral and non-polar, with threonine, which is neutral and polar, at codon 442 of the LRSAM1 protein (p.Ala442Thr). This variant is present in population databases (rs747384782, gnomAD 0.003%). This variant has not been reported in the literature in individuals affected with LRSAM1-related conditions. ClinVar contains an entry for this variant (Variation ID: 2195848). Advanced modeling of protein sequence and biophysical properties (such as structural, functional, and spatial information, amino acid conservation, physicochemical variation, residue mobility, and thermodynamic stability) performed at Invitae indicates that this missense variant is not expected to disrupt LRSAM1 protein function with a negative predictive value of 80%. In summary, the available evidence is currently insufficient to determine the role of this variant in disease. Therefore, it has been classified as a Variant of Uncertain Significance.